The following is an entry in ClinVar:

ClinVar aggregate classification (germline): Uncertain significance (1 of 4 stars; one submission).

Conditions:
Inborn genetic diseases. Identifiers: MedGen C0950123, MeSH D030342.

gnomAD v4.1: 1 of 1,613,890 alleles (0.000062%); highest among the groups gnomAD compares: Non-Finnish European, 0.000085%; no homozygotes.

Submission:

Ambry Genetics
Classification: Uncertain significance for Inborn genetic diseases. Last evaluated: 2025-10-27. Review status: criteria provided, single submitter. Criteria: Ambry Variant Classification Scheme 2023. Collection method: clinical testing. Allele origin: germline.
Comment: The p.K108E variant (also known as c.322A>G), located in coding exon 4 of the DDX41 gene, results from an A to G substitution at nucleotide position 322. The lysine at codon 108 is replaced by glutamic acid, an amino acid with similar properties. This amino acid position is conserved. In addition, this alteration is predicted to be tolerated by in silico analysis. Based on the available evidence, the clinical significance of this variant remains unclear.

NM_016222.4(DDX41):c.322A>G (p.Lys108Glu)

Gene: DDX41 (DEAD-box helicase 41; minus strand). Cytogenetic location: 5q35.3.
Variant type: single nucleotide variant.
Coding change: c.322A>G on transcript NM_016222.4 (MANE Select); coding-DNA position 322, A replaced by G.
Protein change: p.Lys108Glu; replaces lysine 108 with glutamic acid.
Molecular consequence: missense variant. On other transcripts: 5 prime UTR variant (2).
Genome position (GRCh38, 1-based): chr5:177,516,170, T>C on the plus strand (A>G on the coding strand, the complement: DDX41 is on the minus strand). VCF-style: chr5-177516170-T-C. GRCh37 (hg19) VCF-style: chr5-176943171-T-C.
Other names: c.-57A>G (NM_001321732.2, NM_001321830.2); short protein forms K108E.
Identifiers: ClinVar variation 4617171 (VCV004617171.1).